The following is an entry in ClinVar:

ClinVar aggregate classification (germline): Pathogenic (1 of 4 stars; one submission).

Conditions:
Holoprosencephaly 9 (HPE9). Also called: PITUITARY ANOMALIES WITH HOLOPROSENCEPHALY-LIKE FEATURES; HOLOPROSENCEPHALY WITH MICROPHTHALMIA AND FIRST BRANCHIAL ARCH ANOMALIES. Identifiers: Orphanet 2162, MedGen C1835819, MONDO:0012563, OMIM 610829.
Postaxial polydactyly-anterior pituitary anomalies-facial dysmorphism syndrome. Also called: Culler-Jones syndrome. Identifiers: Orphanet 420584, MedGen C4014479, MONDO:0014369, OMIM 615849.

Submission:

Labcorp Genetics (formerly Invitae), Labcorp
Classification: Pathogenic for Postaxial polydactyly-anterior pituitary anomalies-facial dysmorphism syndrome; Holoprosencephaly 9. Last evaluated: 2023-11-10. Review status: criteria provided, single submitter. Criteria: Invitae Variant Classification Sherloc (09022015). Collection method: clinical testing. Allele origin: germline.
Comment: This sequence change creates a premature translational stop signal (p.Pro901Argfs*11) in the GLI2 gene. While this is not anticipated to result in nonsense mediated decay, it is expected to disrupt the last 686 amino acid(s) of the GLI2 protein. The frequency data for this variant in the population databases is considered unreliable, as metrics indicate poor data quality at this position in the gnomAD database. This variant has not been reported in the literature in individuals affected with GLI2-related conditions. This variant disrupts a region of the GLI2 protein in which other variant(s) (p.Gln1206Hisfs*14) have been determined to be pathogenic (Invitae). This suggests that this is a clinically significant region of the protein, and that variants that disrupt it are likely to be disease-causing. For these reasons, this variant has been classified as Pathogenic.

NM_001374353.1(GLI2):c.2651del (p.Pro884fs)

Gene: GLI2 (GLI family zinc finger 2; plus strand). Cytogenetic location: 2q14.2.
Variant type: Deletion.
Coding change: c.2651del on transcript NM_001374353.1 (MANE Select); coding-DNA position 2651, one base deleted (C; older notation c.2651delC).
Protein change: p.Pro884fs; shifts the reading frame from proline 884.
Molecular consequence: frameshift variant.
Genome position (GRCh38, 1-based): chr2:120,988,616, C deleted; the last of 6 consecutive C bases (chr2:120,988,611-120,988,616); deleting any one gives the same sequence. VCF-style (leftmost placement, unchanged base first): chr2-120988610-GC-G. GRCh37 (hg19) VCF-style: chr2-121746186-GC-G.
Other names: c.2702del, p.Pro901fs (NM_001371271.1, NM_005270.5); c.2276del, p.Pro759fs (NM_001374354.1); short protein forms P759fs, P901fs, P884fs.
Identifiers: ClinVar variation 2951021 (VCV002951021.3), dbSNP rs2467770120, ClinGen allele CA536067040.